The following is an entry in ClinVar:

ClinVar aggregate classification (germline): Uncertain significance (1 of 4 stars; one submission).

Conditions:
Hereditary cancer-predisposing syndrome. Also called: Hereditary Cancer Syndrome; Neoplastic Syndromes, Hereditary; Hereditary neoplastic syndrome; Tumor predisposition. Identifiers: Orphanet 140162, MedGen C0027672, MeSH D009386, MONDO:0015356.

Submission:

Ambry Genetics
Classification: Uncertain significance for Hereditary cancer-predisposing syndrome. Last evaluated: 2014-03-31. Review status: criteria provided, single submitter. Criteria: Ambry Autosomal Dominant and X-Linked criteria (10/2015). Collection method: clinical testing. Allele origin: germline. Observed: 1 variant allele.
Comment: The p.P185A variant (also known as c.553C>G), located in coding exon 6 of the MRE11A gene, results from a C to G substitution at nucleotide position 553. The proline at codon 185 is replaced by alanine, an amino acid with highly similar properties. This variant was not reported in population based cohorts in the following databases: Database of Single Nucleotide Polymorphisms (dbSNP), NHLBI Exome Sequencing Project (ESP), and 1000 Genomes Project. To date, this alteration has been detected with an allele frequency of approximately 0.006% (greater than 15000 alleles tested) in our clinical cohort (includes this individual). This amino acid position is highly conserved in available vertebrate species. In addition, this alteration is predicted to be benign and tolerated by PolyPhen and SIFT in silico analyses, respectively. Since supporting evidence is limited at this time, the clinical significance of p.P185A remains unclear.Ã¢â‚¬â€¹

NM_005591.4(MRE11):c.553C>G (p.Pro185Ala)

Gene: MRE11 (MRE11 double strand break repair nuclease; minus strand). Cytogenetic location: 11q21.
Variant type: single nucleotide variant.
Coding change: c.553C>G on transcript NM_005591.4 (MANE Select); coding-DNA position 553, C replaced by G.
Protein change: p.Pro185Ala; replaces proline 185 with alanine.
Molecular consequence: missense variant.
Genome position (GRCh38, 1-based): chr11:94,476,395, G>C on the plus strand (C>G on the coding strand, the complement: MRE11 is on the minus strand). VCF-style: chr11-94476395-G-C. GRCh37 (hg19) VCF-style: chr11-94209561-G-C.
Other names: c.553C>G, p.Pro185Ala (NM_001330347.2, NM_005590.4); short protein forms P185A.
Identifiers: ClinVar variation 142952 (VCV000142952.3), dbSNP rs587782845, ClinGen allele CA169851.